The following is an entry in ClinVar:

NM_001232.4(CASQ2):c.959A>C (p.Lys320Thr)

Gene: CASQ2 (calsequestrin 2; minus strand). Cytogenetic location: 1p13.1.
Variant type: single nucleotide variant.
Coding change: c.959A>C on transcript NM_001232.4 (MANE Select); coding-DNA position 959, A replaced by C.
Protein change: p.Lys320Thr; replaces lysine 320 with threonine.
Molecular consequence: missense variant.
Genome position (GRCh38, 1-based): chr1:115,702,976, T>G on the plus strand (A>C on the coding strand, the complement: CASQ2 is on the minus strand). VCF-style: chr1-115702976-T-G. GRCh37 (hg19) VCF-style: chr1-116245597-T-G.
Other names: short protein forms K320T.
Identifiers: ClinVar variation 1027241 (VCV001027241.7), dbSNP rs1654255083, ClinGen allele CA341766687.

ClinVar aggregate classification (germline): Uncertain significance (1 of 4 stars; one submission).

Conditions:
Catecholaminergic polymorphic ventricular tachycardia 1. Also called: RYR2-Related Catecholaminergic Polymorphic Ventricular Tachycardia; VENTRICULAR TACHYCARDIA, CATECHOLAMINERGIC POLYMORPHIC, 1, WITH OR WITHOUT ATRIAL DYSFUNCTION AND/OR DILATED CARDIOMYOPATHY; VENTRICULAR TACHYCARDIA, STRESS-INDUCED POLYMORPHIC 1. Identifiers: Orphanet 3286, MedGen C1631597, MONDO:0011484, OMIM 604772.

Submission:

Labcorp Genetics (formerly Invitae), Labcorp
Classification: Uncertain significance for Catecholaminergic polymorphic ventricular tachycardia 1. Last evaluated: 2021-08-31. Review status: criteria provided, single submitter. Criteria: Invitae Variant Classification Sherloc (09022015). Collection method: clinical testing. Allele origin: germline.
Comment: This sequence change replaces lysine with threonine at codon 320 of the CASQ2 protein (p.Lys320Thr). The lysine residue is highly conserved and there is a moderate physicochemical difference between lysine and threonine. This variant is not present in population databases (ExAC no frequency). This variant has not been reported in the literature in individuals affected with CASQ2-related conditions. Algorithms developed to predict the effect of missense changes on protein structure and function are either unavailable or do not agree on the potential impact of this missense change (SIFT: "Tolerated"; PolyPhen-2: "Possibly Damaging"; Align-GVGD: "Class C0"). In summary, the available evidence is currently insufficient to determine the role of this variant in disease. Therefore, it has been classified as a Variant of Uncertain Significance.